The following is an entry in ClinVar:

ClinVar aggregate classification (germline): Likely benign. Review status: criteria provided, single submitter (1 of 4 stars). 2 submissions from 2 submitters: Likely benign (1). 1 of the submissions does not count toward it. Last evaluated 2021-03-01.

Conditions:
TNC-related disorder. Also called: TNC-related condition.

Allele frequency attached by ClinVar (database versions not stated): gnomAD 0.00005 and 0.00006; gnomAD exomes 0.00005 and 0.00007; ExAC 0.00006; TOPMed 0.00009; 1000 Genomes Project 30x 0.00016; 1000 Genomes Project 0.00020.
gnomAD v4.1: 108 of 1,612,756 alleles (0.0067%); highest among the groups gnomAD compares: Middle Eastern, 0.049%; no homozygotes.

Submissions (2):

GeneDx
Classification: Likely benign. Last evaluated: 2021-03-01. Review status: criteria provided, single submitter. Criteria: GeneDx Variant Classification Process June 2021. Collection method: clinical testing. Allele origin: germline. Affected: yes.
Comment: In silico analysis supports that this missense variant does not alter protein structure/function; Has not been previously published as pathogenic or benign to our knowledge

PreventionGenetics, part of Exact Sciences
Classification: Uncertain significance for TNC-related condition. Last evaluated: 2024-08-29. Review status: no assertion criteria provided. Collection method: clinical testing. Allele origin: germline. Not counted in ClinVar's aggregate classification.
Comment: The TNC c.3217C>A variant is predicted to result in the amino acid substitution p.Gln1073Lys. To our knowledge, this variant has not been reported in the literature. This variant is reported in 0.0078% of alleles in individuals of European (Non-Finnish) descent in gnomAD. At this time, the clinical significance of this variant is uncertain due to the absence of conclusive functional and genetic evidence.

NM_002160.4(TNC):c.3217C>A (p.Gln1073Lys)

Gene: TNC (tenascin C; minus strand). Cytogenetic location: 9q33.1.
Variant type: single nucleotide variant.
Coding change: c.3217C>A on transcript NM_002160.4 (MANE Select); coding-DNA position 3217, C replaced by A.
Protein change: p.Gln1073Lys; replaces glutamine 1073 with lysine.
Molecular consequence: missense variant.
Genome position (GRCh38, 1-based): chr9:115,064,917, G>T on the plus strand (C>A on the coding strand, the complement: TNC is on the minus strand). VCF-style: chr9-115064917-G-T. GRCh37 (hg19) VCF-style: chr9-117827196-G-T.
Other names: short protein forms Q1073K.
Identifiers: ClinVar variation 1315741 (VCV001315741.3), dbSNP rs201641513, ClinGen allele CA5208278.
Genomic context (GRCh38, chr9:115,064,917, plus strand): 5'-TGAGTCTGAGGCCATCCCAGCCAACCTCAGTCACGGTGAGGTTTTCCAGCTCAGGGGCTT[G>T]TTCTGAATAATGACAGAGATGGGGTCAGTTAAACTATTCCTCAGAAAGTTTTGCTTCTGA-3'
Protein context (NP_002151.2, residues 1063-1083): KPARVKASTE[Gln1073Lys]APELENLTVT